The following is an entry in ClinVar:

ClinVar aggregate classification (germline): Uncertain significance. Review status: criteria provided, multiple submitters, no conflicts (2 of 4 stars). 2 submissions from 2 submitters: Uncertain significance (2). Last evaluated 2026-07-06.

Conditions:
Hereditary cancer-predisposing syndrome. Also called: Hereditary neoplastic syndrome; Neoplastic Syndromes, Hereditary; Tumor predisposition; Hereditary Cancer Syndrome. Identifiers: Orphanet 140162, MedGen C0027672, MeSH D009386, MONDO:0015356.
Haddad syndrome (OHD). Also called: Ondine-Hirschsprung disease. Identifiers: Orphanet 99803, MedGen C1859049, MONDO:0020493.

Submissions (2):

Ambry Genetics
Classification: Uncertain significance for Hereditary cancer-predisposing syndrome. Last evaluated: 2026-07-06. Review status: criteria provided, single submitter. Criteria: Ambry Variant Classification Scheme 2023. Collection method: clinical testing. Allele origin: germline.
Comment: The p.P277H variant (also known as c.830C>A), located in coding exon 3 of the PHOX2B gene, results from a C to A substitution at nucleotide position 830. The proline at codon 277 is replaced by histidine, an amino acid with similar properties. This amino acid position is conserved. In addition, the in silico prediction for this alteration is inconclusive. Based on the available evidence, the clinical significance of this variant remains unclear.

Labcorp Genetics (formerly Invitae), Labcorp
Classification: Uncertain significance for Haddad syndrome. Last evaluated: 2022-05-25. Review status: criteria provided, single submitter. Criteria: Invitae Variant Classification Sherloc (09022015). Collection method: clinical testing. Allele origin: germline.
Comment: This sequence change replaces proline, which is neutral and non-polar, with histidine, which is basic and polar, at codon 277 of the PHOX2B protein (p.Pro277His). This variant is not present in population databases (gnomAD no frequency). This variant has not been reported in the literature in individuals affected with PHOX2B-related conditions. Algorithms developed to predict the effect of missense changes on protein structure and function are either unavailable or do not agree on the potential impact of this missense change (SIFT: "Deleterious"; PolyPhen-2: "Not Available"; Align-GVGD: "Class C0"). In summary, the available evidence is currently insufficient to determine the role of this variant in disease. Therefore, it has been classified as a Variant of Uncertain Significance.

NM_003924.4(PHOX2B):c.830C>A (p.Pro277His)

Gene: PHOX2B (paired like homeobox 2B; minus strand). Cytogenetic location: 4p13.
Variant type: single nucleotide variant.
Coding change: c.830C>A on transcript NM_003924.4 (MANE Select); coding-DNA position 830, C replaced by A.
Protein change: p.Pro277His; replaces proline 277 with histidine.
Molecular consequence: missense variant.
Genome position (GRCh38, 1-based): chr4:41,745,922, G>T on the plus strand (C>A on the coding strand, the complement: PHOX2B is on the minus strand). VCF-style: chr4-41745922-G-T. GRCh37 (hg19) VCF-style: chr4-41747939-G-T.
Other names: short protein forms P277H.
Identifiers: ClinVar variation 1998814 (VCV001998814.5), dbSNP rs1733871030, ClinGen allele CA356737054.